The following is an entry in ClinVar:

ClinVar aggregate classification (germline): Uncertain significance. Review status: criteria provided, multiple submitters, no conflicts (2 of 4 stars). 3 submissions from 3 submitters: Uncertain significance (3). Last evaluated 2025-03-26.

Conditions:
Arthrogryposis, renal dysfunction, and cholestasis 2 (ARCS2). Identifiers: Orphanet 2697, MedGen C3150672, MONDO:0013255, OMIM 613404.
VIPAS39-related disorder. Also called: VIPAS39-related condition.

Allele frequency attached by ClinVar (database versions not stated): gnomAD exomes below 0.00001 and 0.00001.
gnomAD v4.1: 16 of 1,613,978 alleles (0.00099%); highest among the groups gnomAD compares: Middle Eastern, 0.066%; no homozygotes.

Submissions (3):

PreventionGenetics, part of Exact Sciences
Classification: Uncertain significance for VIPAS39-related condition. Last evaluated: 2025-03-26. Review status: criteria provided, single submitter. Criteria: ACMG Guidelines, 2015. Collection method: clinical testing. Allele origin: germline.
Comment: The VIPAS39 c.1003A>G variant is predicted to result in the amino acid substitution p.Thr335Ala. To our knowledge, this variant has not been reported in the literature. This variant is reported in 0.0033% of alleles in individuals of South Asian descent in gnomAD. At this time, the clinical significance of this variant is uncertain due to the absence of conclusive functional and genetic evidence.

Labcorp Genetics (formerly Invitae), Labcorp
Classification: Uncertain significance. Last evaluated: 2022-02-21. Review status: criteria provided, single submitter. Criteria: Invitae Variant Classification Sherloc (09022015). Collection method: clinical testing. Allele origin: germline.
Comment: This sequence change replaces threonine, which is neutral and polar, with alanine, which is neutral and non-polar, at codon 335 of the VIPAS39 protein (p.Thr335Ala). This variant is present in population databases (no rsID available, gnomAD 0.003%). This variant has not been reported in the literature in individuals affected with VIPAS39-related conditions. ClinVar contains an entry for this variant (Variation ID: 1028746). Algorithms developed to predict the effect of missense changes on protein structure and function are either unavailable or do not agree on the potential impact of this missense change (SIFT: "Deleterious"; PolyPhen-2: "Probably Damaging"; Align-GVGD: "Class C0"). In summary, the available evidence is currently insufficient to determine the role of this variant in disease. Therefore, it has been classified as a Variant of Uncertain Significance.

Baylor Genetics
Classification: Uncertain significance for Arthrogryposis, renal dysfunction, and cholestasis 2. Last evaluated: 2020-06-08. Review status: criteria provided, single submitter. Criteria: ACMG Guidelines, 2015. Collection method: clinical testing. Allele origin: unknown. Affected: yes.
Comment: This variant was determined to be of uncertain significance according to ACMG Guidelines, 2015 [PMID:25741868].

NM_001193315.2(VIPAS39):c.1003A>G (p.Thr335Ala)

Gene: VIPAS39 (VPS33B interacting protein, apical-basolateral polarity regulator, spe-39 homolog; minus strand). Cytogenetic location: 14q24.3.
Variant type: single nucleotide variant.
Coding change: c.1003A>G on transcript NM_001193315.2 (MANE Select); coding-DNA position 1003, A replaced by G.
Protein change: p.Thr335Ala; replaces threonine 335 with alanine.
Molecular consequence: missense variant.
Genome position (GRCh38, 1-based): chr14:77,435,303, T>C on the plus strand (A>G on the coding strand, the complement: VIPAS39 is on the minus strand). VCF-style: chr14-77435303-T-C. GRCh37 (hg19) VCF-style: chr14-77901646-T-C.
Other names: c.1003A>G, p.Thr335Ala (NM_001193314.2, NM_001193317.2, NM_022067.4); c.856A>G, p.Thr286Ala (NM_001193316.2); short protein forms T286A, T335A.
Identifiers: ClinVar variation 1028746 (VCV001028746.4), dbSNP rs867268041, ClinGen allele CA263837751.